The following is an entry in ClinVar:

NM_133259.4(LRPPRC):c.3181C>T (p.Gln1061Ter)

Gene: LRPPRC (leucine rich pentatricopeptide repeat containing; minus strand). Cytogenetic location: 2p21.
Variant type: single nucleotide variant.
Coding change: c.3181C>T on transcript NM_133259.4 (MANE Select); coding-DNA position 3181, C replaced by T.
Protein change: p.Gln1061Ter; replaces glutamine 1061 with a stop codon.
Molecular consequence: nonsense.
Genome position (GRCh38, 1-based): chr2:43,912,526, G>A on the plus strand (C>T on the coding strand, the complement: LRPPRC is on the minus strand). VCF-style: chr2-43912526-G-A. GRCh37 (hg19) VCF-style: chr2-44139665-G-A.
Other names: short protein forms Q1061*.
Identifiers: ClinVar variation 2763485 (VCV002763485.3), dbSNP rs1671301435, ClinGen allele CA346667269.

ClinVar aggregate classification (germline): Pathogenic (1 of 4 stars; one submission).

gnomAD v4.1: 1 of 1,605,972 alleles (0.000062%); highest among the groups gnomAD compares: African/African-American, 0.0013%; no homozygotes.

Submission:

Labcorp Genetics (formerly Invitae), Labcorp
Classification: Pathogenic. Last evaluated: 2023-09-26. Review status: criteria provided, single submitter. Criteria: Invitae Variant Classification Sherloc (09022015). Collection method: clinical testing. Allele origin: germline.
Comment: This sequence change creates a premature translational stop signal (p.Gln1061*) in the LRPPRC gene. It is expected to result in an absent or disrupted protein product. Loss-of-function variants in LRPPRC are known to be pathogenic (PMID: 26510951). This variant is not present in population databases (gnomAD no frequency). This variant has not been reported in the literature in individuals affected with LRPPRC-related conditions. For these reasons, this variant has been classified as Pathogenic.

Literature cited by the submitters: PubMed 26510951.